The following is an entry in ClinVar:

ClinVar aggregate classification (germline): Conflicting classifications of pathogenicity. Review status: criteria provided, conflicting classifications (1 of 4 stars). 2 submissions from 2 submitters: Uncertain significance (1); Likely benign (1). Last evaluated 2026-02-06.

Conditions:
Hereditary cancer-predisposing syndrome. Also called: Tumor predisposition; Hereditary Cancer Syndrome; Hereditary neoplastic syndrome; Neoplastic Syndromes, Hereditary. Identifiers: Orphanet 140162, MedGen C0027672, MeSH D009386, MONDO:0015356.

Submissions (2):

Ambry Genetics
Classification: Likely benign for Hereditary cancer-predisposing syndrome. Last evaluated: 2026-02-06. Review status: criteria provided, single submitter. Criteria: Ambry Variant Classification Scheme 2023. Collection method: clinical testing. Allele origin: germline.

GeneDx
Classification: Uncertain significance. Last evaluated: 2023-04-17. Review status: criteria provided, single submitter. Criteria: GeneDx Variant Classification Process June 2021. Collection method: clinical testing. Allele origin: germline. Affected: yes.
Comment: Not observed at significant frequency in large population cohorts (gnomAD); In silico analysis supports that this missense variant does not alter protein structure/function; Has not been previously published as pathogenic or benign to our knowledge

NM_004168.4(SDHA):c.44G>A (p.Arg15His)

Gene: SDHA (succinate dehydrogenase complex flavoprotein subunit A; plus strand). Cytogenetic location: 5p15.33.
Variant type: single nucleotide variant.
Coding change: c.44G>A on transcript NM_004168.4 (MANE Select); coding-DNA position 44, G replaced by A.
Protein change: p.Arg15His; replaces arginine 15 with histidine.
Molecular consequence: missense variant.
Genome position (GRCh38, 1-based): chr5:218,399, G>A. VCF-style: chr5-218399-G-A. GRCh37 (hg19) VCF-style: chr5-218514-G-A.
Other names: c.44G>A, p.Arg15His (NM_001294332.2, NM_001330758.2); short protein forms R15H.
Identifiers: ClinVar variation 1741037 (VCV001741037.4), dbSNP rs1060503707, ClinGen allele CA359007379.